The following is an entry in ClinVar:

ClinVar aggregate classification (germline): Uncertain significance. Review status: criteria provided, multiple submitters, no conflicts (2 of 4 stars). 2 submissions from 2 submitters: Uncertain significance (2). Last evaluated 2025-03-19.

Conditions:
Inborn genetic diseases. Identifiers: MedGen C0950123, MeSH D030342.

Allele frequency attached by ClinVar (database versions not stated): gnomAD exomes below 0.00001; TOPMed below 0.00001; gnomAD 0.00001.

Submissions (2):

Labcorp Genetics (formerly Invitae), Labcorp
Classification: Uncertain significance. Last evaluated: 2025-03-19. Review status: criteria provided, single submitter. Criteria: Invitae Variant Classification Sherloc (09022015). Collection method: clinical testing. Allele origin: germline.
Comment: This sequence change replaces lysine, which is basic and polar, with arginine, which is basic and polar, at codon 61 of the NAA15 protein (p.Lys61Arg). This variant is present in population databases (no rsID available, gnomAD 0.01%). This variant has not been reported in the literature in individuals affected with NAA15-related conditions. ClinVar contains an entry for this variant (Variation ID: 2598802). An algorithm developed to predict the effect of missense changes on protein structure and function (PolyPhen-2) suggests that this variant is likely to be tolerated. In summary, the available evidence is currently insufficient to determine the role of this variant in disease. Therefore, it has been classified as a Variant of Uncertain Significance.

Ambry Genetics
Classification: Uncertain significance for Inborn genetic diseases. Last evaluated: 2023-06-23. Review status: criteria provided, single submitter. Criteria: Ambry Variant Classification Scheme 2023. Collection method: clinical testing. Allele origin: germline.

NM_057175.5(NAA15):c.182A>G (p.Lys61Arg)

Gene: NAA15 (N-alpha-acetyltransferase 15, NatA auxiliary subunit; plus strand). Cytogenetic location: 4q31.1.
Variant type: single nucleotide variant.
Coding change: c.182A>G on transcript NM_057175.5 (MANE Select); coding-DNA position 182, A replaced by G.
Protein change: p.Lys61Arg; replaces lysine 61 with arginine.
Molecular consequence: missense variant.
Genome position (GRCh38, 1-based): chr4:139,336,890, A>G. VCF-style: chr4-139336890-A-G. GRCh37 (hg19) VCF-style: chr4-140258044-A-G.
Other names: c.182A>G, p.Lys61Arg (NM_001410842.1, NM_025085.2); short protein forms K61R.
Identifiers: ClinVar variation 2598802 (VCV002598802.3), dbSNP rs1448026988, ClinGen allele CA358258344.